The following is an entry in ClinVar:

NM_004655.4(AXIN2):c.959A>G (p.Asp320Gly)

Gene: AXIN2 (axin 2; minus strand). Cytogenetic location: 17q24.1.
Variant type: single nucleotide variant.
Coding change: c.959A>G on transcript NM_004655.4 (MANE Select); coding-DNA position 959, A replaced by G.
Protein change: p.Asp320Gly; replaces aspartic acid 320 with glycine.
Molecular consequence: missense variant.
Genome position (GRCh38, 1-based): chr17:65,541,555, T>C on the plus strand (A>G on the coding strand, the complement: AXIN2 is on the minus strand). VCF-style: chr17-65541555-T-C. GRCh37 (hg19) VCF-style: chr17-63537673-T-C.
Other names: c.959A>G, p.Asp320Gly (NM_001363813.1); short protein forms D320G.
Identifiers: ClinVar variation 4867306 (VCV004867306.1).

ClinVar aggregate classification (germline): Uncertain significance (1 of 4 stars; one submission).

Conditions:
Hereditary cancer-predisposing syndrome. Also called: Neoplastic Syndromes, Hereditary; Tumor predisposition; Hereditary Cancer Syndrome; Hereditary neoplastic syndrome. Identifiers: Orphanet 140162, MedGen C0027672, MeSH D009386, MONDO:0015356.

Submission:

Ambry Genetics
Classification: Uncertain significance for Hereditary cancer-predisposing syndrome. Last evaluated: 2026-04-28. Review status: criteria provided, single submitter. Criteria: Ambry Variant Classification Scheme 2023. Collection method: clinical testing. Allele origin: germline.
Comment: The p.D320G variant (also known as c.959A>G), located in coding exon 3 of the AXIN2 gene, results from an A to G substitution at nucleotide position 959. The aspartic acid at codon 320 is replaced by glycine, an amino acid with similar properties. This amino acid position is highly conserved in available vertebrate species. In addition, this alteration is predicted to be deleterious by in silico analysis. Based on the available evidence, the clinical significance of this variant remains unclear.